The following is an entry in ClinVar:

NM_005148.4(UNC119):c.74T>G (p.Val25Gly)

Genes: UNC119 (unc-119 lipid binding chaperone; minus strand), LOC130060555 (ATAC-STARR-seq lymphoblastoid silent region 8343; plus strand). Cytogenetic location: 17q11.2.
Variant type: single nucleotide variant.
Coding change: c.74T>G on transcript NM_005148.4 (MANE Select); coding-DNA position 74, T replaced by G.
Protein change: p.Val25Gly; replaces valine 25 with glycine.
Molecular consequence: missense variant. On other transcripts: 5 prime UTR variant (1).
Genome position (GRCh38, 1-based): chr17:28,552,484, A>C on the plus strand (T>G on the coding strand, the complement: UNC119 is on the minus strand). VCF-style: chr17-28552484-A-C. GRCh37 (hg19) VCF-style: chr17-26879502-A-C.
Other names: c.-240T>G (NM_001330166.2); c.74T>G, p.Val25Gly (NM_054035.2); short protein forms V25G.
Identifiers: ClinVar variation 4807057 (VCV004807057.1).

ClinVar aggregate classification (germline): Uncertain significance (1 of 4 stars; one submission).

Submission:

Labcorp Genetics (formerly Invitae), Labcorp
Classification: Uncertain significance. Last evaluated: 2025-09-09. Review status: criteria provided, single submitter. Criteria: Invitae Variant Classification Sherloc (09022015). Collection method: clinical testing. Allele origin: germline.
Comment: This sequence change replaces valine, which is neutral and non-polar, with glycine, which is neutral and non-polar, at codon 25 of the UNC119 protein (p.Val25Gly). This variant is not present in population databases (gnomAD no frequency). This variant has not been reported in the literature in individuals affected with UNC119-related conditions. An algorithm developed to predict the effect of missense changes on protein structure and function (PolyPhen-2) suggests that this variant is likely to be tolerated. In summary, the available evidence is currently insufficient to determine the role of this variant in disease. Therefore, it has been classified as a Variant of Uncertain Significance.